The following is an entry in ClinVar:

ClinVar aggregate classification (germline): Conflicting classifications of pathogenicity. Review status: criteria provided, conflicting classifications (1 of 4 stars). 8 submissions from 8 submitters: Uncertain significance (5); Likely benign (3). Last evaluated 2026-04-08.

Conditions:
Immunodeficiency, common variable, 7. Identifiers: Orphanet 1572, Orphanet 696894, MedGen C3542922, MONDO:0013862, OMIM 614699.
CR2-related disorder. Also called: CR2-related condition; CR2-related disorders.

Allele frequency attached by ClinVar (database versions not stated): TOPMed 0.00057; gnomAD 0.00058 and 0.00062; 1000 Genomes Project 0.00060; gnomAD exomes 0.00060 and 0.00085; 1000 Genomes Project 30x 0.00062; ExAC 0.00078; ESP Exome Variant Server 0.00115.
gnomAD v4.1: 1,009 of 1,613,946 alleles (0.063%); highest among the groups gnomAD compares: Middle Eastern, 1.4%; 4 homozygotes.

Submissions (8):

Women's Health and Genetics/Laboratory Corporation of America, LabCorp
Classification: Likely benign. Last evaluated: 2026-04-08. Review status: criteria provided, single submitter. Criteria: LabCorp Variant Classification Summary - May 2015. Collection method: clinical testing. Allele origin: germline.
Comment: Variant summary: CR2 c.1676G>A (p.Gly559Glu) results in a non-conservative amino acid change in the encoded protein sequence. Algorithms developed to predict the effect of missense changes on protein structure and function all suggest that this variant is likely to be disruptive. The variant allele was found at a frequency of 0.00063 in 1613946 control chromosomes, predominantly at a frequency of 0.0089 within the Ashkenazi Jewish subpopulation in the gnomAD database, including 2 homozygotes. The observed variant frequency within Ashkenazi Jewish control individuals in the gnomAD database exceeds the estimated maximal expected allele frequency for disease-causing variants in CR2. c.1676G>A has been observed in individuals affected with common variable immune deficiency (e.g. El Hawary_2022). These reports do not provide unequivocal conclusions about association of the variant with common variable immune deficiency-7. To our knowledge, no experimental evidence demonstrating an impact on protein function has been reported. The following publication has been ascertained in the context of this evaluation (PMID: 35482138). ClinVar contains an entry for this variant (Variation ID: 449008). Based on the evidence outlined above, the variant was classified as likely benign.

Labcorp Genetics (formerly Invitae), Labcorp
Classification: Likely benign for Immunodeficiency, common variable, 7. Last evaluated: 2026-02-01. Review status: criteria provided, single submitter. Criteria: Invitae Variant Classification Sherloc (09022015). Collection method: clinical testing. Allele origin: germline.

CeGaT Center for Human Genetics Tuebingen
Classification: Likely benign. Last evaluated: 2025-04-01. Review status: criteria provided, single submitter. Criteria: CeGaT Center For Human Genetics Tuebingen Variant Classification Criteria Version 2. Collection method: clinical testing. Allele origin: germline. Affected: yes. Observed: 4 variant alleles.
Comment: CR2: BS2

Blueprint Genetics
Classification: Uncertain significance. Last evaluated: 2024-11-25. Review status: criteria provided, single submitter. Criteria: ACMG Guidelines, 2015. Collection method: clinical testing. Allele origin: germline.

PreventionGenetics, part of Exact Sciences
Classification: Uncertain significance for CR2-related condition. Last evaluated: 2024-10-28. Review status: criteria provided, single submitter. Criteria: ACMG Guidelines, 2015. Collection method: clinical testing. Allele origin: germline.
Comment: The CR2 c.1676G>A variant is predicted to result in the amino acid substitution p.Gly559Glu. This variant has been reported in the heterozgyous state in two individuals with common variable immunodeficiency and in the homozygous state in an individual with combined immunodeficiency (Supplementary Table S2, Bisgin et al. 2021. PubMed ID: 33859323; Supplemental Table 1, El Hawary et al. 2022. PubMed ID: 35482138). This variant is reported in 0.85% of alleles in individuals of Ashkenazi Jewish descent in gnomAD. Although we suspect that this variant may be benign, at this time, the clinical significance of this variant is uncertain due to the absence of conclusive functional and genetic evidence.

Revvity Omics, Revvity
Classification: Uncertain significance for Immunodeficiency, common variable, 7. Last evaluated: 2020-08-04. Review status: criteria provided, single submitter. Criteria: ACMG Guidelines, 2015. Collection method: clinical testing. Allele origin: germline.

Baylor Genetics
Classification: Uncertain significance for Immunodeficiency, common variable, 7. Last evaluated: 2018-03-14. Review status: criteria provided, single submitter. Criteria: ACMG Guidelines, 2015. Collection method: clinical testing. Allele origin: maternal. Affected: yes.
Comment: This variant was determined to be of uncertain significance according to ACMG Guidelines, 2015 [PMID:25741868].

GeneDx
Classification: Uncertain significance. Last evaluated: 2017-06-22. Review status: criteria provided, single submitter. Criteria: GeneDx Variant Classification (06012015). Collection method: clinical testing. Allele origin: germline. Affected: yes.
Comment: The G559E variant in the CR2 gene has not been reported previously as a pathogenic variant, nor as a benign variant, to our knowledge. The G559E variant is observed in 79/66693 (0.118%) alleles from individuals of non-Finnish European background, in large population cohorts (Lek et al., 2016; 1000 Genomes Consortium et al., 2015; Exome Variant Server). The G559E variant is a non-conservative amino acid substitution, which is likely to impact secondary protein structure as these residues differ in polarity, charge, size and/or other properties. This substitution occurs at a position that is not conserved. In silico analysis predicts this variant is probably damaging to the protein structure/function. We interpret G559E as a variant of uncertain significance.

Literature cited by the submitters: PubMed 35482138 (cited by Women's Health and Genetics/Laboratory Corporation of America, LabCorp).

NM_001006658.3(CR2):c.1676G>A (p.Gly559Glu)

Gene: CR2 (complement C3d receptor 2; plus strand). Cytogenetic location: 1q32.2.
Variant type: single nucleotide variant.
Coding change: c.1676G>A on transcript NM_001006658.3 (MANE Select); coding-DNA position 1676, G replaced by A.
Protein change: p.Gly559Glu; replaces glycine 559 with glutamic acid.
Molecular consequence: missense variant.
Genome position (GRCh38, 1-based): chr1:207,472,877, G>A. VCF-style: chr1-207472877-G-A. GRCh37 (hg19) VCF-style: chr1-207646222-G-A.
Other names: c.1676G>A, p.Gly559Glu (NM_001877.5); short protein forms G559E.
Identifiers: ClinVar variation 449008 (VCV000449008.62), dbSNP rs143614333, ClinGen allele CA1368791.